The following is an entry in ClinVar:

ClinVar aggregate classification (germline): Uncertain significance (1 of 4 stars; one submission).

Submission:

Ambry Genetics
Classification: Uncertain significance. Last evaluated: 2025-09-25. Review status: criteria provided, single submitter. Criteria: Ambry Variant Classification Scheme 2023. Collection method: clinical testing. Allele origin: germline.
Comment: The p.C413Y variant (also known as c.1238G>A), located in coding exon 11 of the GEN1 gene, results from a G to A substitution at nucleotide position 1238. The cysteine at codon 413 is replaced by tyrosine, an amino acid with highly dissimilar properties. This amino acid position is conserved. In addition, the in silico prediction for this alteration is inconclusive. Based on the available evidence, the clinical significance of this variant remains unclear.

NM_001130009.3(GEN1):c.1238G>A (p.Cys413Tyr)

Gene: GEN1 (GEN1 structure-specific endonuclease; plus strand). Cytogenetic location: 2p24.2.
Variant type: single nucleotide variant.
Coding change: c.1238G>A on transcript NM_001130009.3 (MANE Select); coding-DNA position 1238, G replaced by A.
Protein change: p.Cys413Tyr; replaces cysteine 413 with tyrosine.
Molecular consequence: missense variant.
Genome position (GRCh38, 1-based): chr2:17,778,037, G>A. VCF-style: chr2-17778037-G-A. GRCh37 (hg19) VCF-style: chr2-17959304-G-A.
Other names: c.1238G>A, p.Cys413Tyr (NM_182625.5); short protein forms C413Y.
Identifiers: ClinVar variation 4671449 (VCV004671449.1).